The following is an entry in ClinVar:

NM_033026.6(PCLO):c.5766G>T (p.Met1922Ile)

Gene: PCLO (piccolo presynaptic cytomatrix protein; minus strand). Cytogenetic location: 7q21.11.
Variant type: single nucleotide variant.
Coding change: c.5766G>T on transcript NM_033026.6 (MANE Select); coding-DNA position 5766, G replaced by T.
Protein change: p.Met1922Ile; replaces methionine 1922 with isoleucine.
Molecular consequence: missense variant.
Genome position (GRCh38, 1-based): chr7:82,955,187, C>A on the plus strand (G>T on the coding strand, the complement: PCLO is on the minus strand). VCF-style: chr7-82955187-C-A. GRCh37 (hg19) VCF-style: chr7-82584503-C-A.
Other names: c.5766G>T, p.Met1922Ile (NM_014510.3); short protein forms M1922I.
Identifiers: ClinVar variation 2040304 (VCV002040304.4), dbSNP rs2535705601, ClinGen allele CA367923239.

ClinVar aggregate classification (germline): Uncertain significance (1 of 4 stars; one submission).

Submission:

Labcorp Genetics (formerly Invitae), Labcorp
Classification: Uncertain significance. Last evaluated: 2022-03-22. Review status: criteria provided, single submitter. Criteria: Invitae Variant Classification Sherloc (09022015). Collection method: clinical testing. Allele origin: germline.
Comment: This sequence change replaces methionine, which is neutral and non-polar, with isoleucine, which is neutral and non-polar, at codon 1922 of the PCLO protein (p.Met1922Ile). This variant has not been reported in the literature in individuals affected with PCLO-related conditions. This variant is not present in population databases (gnomAD no frequency). Algorithms developed to predict the effect of missense changes on protein structure and function output the following: SIFT: "Tolerated"; PolyPhen-2: "Not Available"; Align-GVGD: "Class C0". The isoleucine amino acid residue is found in multiple mammalian species, which suggests that this missense change does not adversely affect protein function. In summary, the available evidence is currently insufficient to determine the role of this variant in disease. Therefore, it has been classified as a Variant of Uncertain Significance.